The following is an entry in ClinVar:

ClinVar aggregate classification (germline): Likely benign. Review status: criteria provided, single submitter (1 of 4 stars). 2 submissions from 2 submitters: Likely benign (1). 1 of the submissions does not count toward it. Last evaluated 2026-08-01.

Conditions:
WDR26-related disorder. Also called: WDR26-related condition.

Allele frequency attached by ClinVar (database versions not stated): gnomAD exomes 0.00016; gnomAD 0.00020; 1000 Genomes Project 30x 0.00031; TOPMed 0.00034; 1000 Genomes Project 0.00040; ExAC 0.00052.
gnomAD v4.1: 256 of 1,552,826 alleles (0.016%); highest among the groups gnomAD compares: East Asian, 0.53%; 3 homozygotes.

Submissions (2):

CeGaT Center for Human Genetics Tuebingen
Classification: Likely benign. Last evaluated: 2026-08-01. Review status: criteria provided, single submitter. Criteria: CeGaT Center For Human Genetics Tuebingen Variant Classification Criteria Version 2. Collection method: clinical testing. Allele origin: germline. Affected: yes. Observed: 1 variant allele.
Comment: WDR26: BP4, BS1

PreventionGenetics, part of Exact Sciences
Classification: Likely benign for WDR26-related condition. Last evaluated: 2019-04-01. Review status: no assertion criteria provided. Collection method: clinical testing. Allele origin: germline. Not counted in ClinVar's aggregate classification.
Comment: This variant is classified as likely benign based on ACMG/AMP sequence variant interpretation guidelines (Richards et al. 2015 PMID: 25741868, with internal and published modifications).

NM_001379403.1(WDR26):c.2235T>C (p.Pro745=)

Gene: WDR26 (WD repeat domain 26; minus strand). Cytogenetic location: 1q42.11.
Variant type: single nucleotide variant.
Coding change: c.2235T>C on transcript NM_001379403.1 (MANE Select); coding-DNA position 2235, T replaced by C.
Protein change: p.Pro745=; no amino-acid change (proline 745 retained).
Molecular consequence: synonymous variant.
Genome position (GRCh38, 1-based): chr1:224,393,853, A>G on the plus strand (T>C on the coding strand, the complement: WDR26 is on the minus strand). VCF-style: chr1-224393853-A-G. GRCh37 (hg19) VCF-style: chr1-224581555-A-G.
Other names: c.1887T>C, p.Pro629= (NM_001115113.3); c.1935T>C, p.Pro645= (NM_025160.7).
Identifiers: ClinVar variation 3059746 (VCV003059746.3), dbSNP rs142326612, ClinGen allele CA1414839.
Genomic context (GRCh38, chr1:224,393,853, plus strand): 5'-GGACAAAACATAGTAACATTATACAAAGGTATTACCTTCAATATTCTGGTGGTCTATAAA[A>G]GGTGCTGGTCCCCATATTCTAACAGTGCCATCATCTGAGGCGCTGGCCATCATGGATGGA-3'
Protein context (NP_001366332.1, residues 735-755): DGTVRIWGPA[Pro745=]FIDHQNIEEE